The following is an entry in ClinVar:

ClinVar aggregate classification (germline): Uncertain significance (1 of 4 stars; one submission).

Submission:

Ambry Genetics
Classification: Uncertain significance. Last evaluated: 2025-08-28. Review status: criteria provided, single submitter. Criteria: Ambry Variant Classification Scheme 2023. Collection method: clinical testing. Allele origin: germline.
Comment: The p.L122P variant (also known as c.365T>C), located in coding exon 4 of the RRAS gene, results from a T to C substitution at nucleotide position 365. The leucine at codon 122 is replaced by proline, an amino acid with similar properties. This amino acid position is conserved. In addition, this alteration is predicted to be deleterious by in silico analysis. Based on the available evidence, the clinical significance of this variant remains unclear.

NM_006270.5(RRAS):c.365T>C (p.Leu122Pro)

Gene: RRAS (RAS related; minus strand). Cytogenetic location: 19q13.33.
Variant type: single nucleotide variant.
Coding change: c.365T>C on transcript NM_006270.5 (MANE Select); coding-DNA position 365, T replaced by C.
Protein change: p.Leu122Pro; replaces leucine 122 with proline.
Molecular consequence: missense variant.
Genome position (GRCh38, 1-based): chr19:49,636,707, A>G on the plus strand (T>C on the coding strand, the complement: RRAS is on the minus strand). VCF-style: chr19-49636707-A-G. GRCh37 (hg19) VCF-style: chr19-50139964-A-G.
Other names: short protein forms L122P.
Identifiers: ClinVar variation 4156992 (VCV004156992.1).
Genomic context (GRCh38, chr19:49,636,707, plus strand): 5'-TTCCCGACCAACACAACGGGGAAGTCGTCGCGGTCCTTGACCCGCAGAATCTGCGTGAAG[A>G]GCTTGCCCACCTCGTTGAAACTGCGAGTGAAGCCGGAGGCATGAGGTCCAGCCAGCTGCA-3'
Protein context (NP_006261.1, residues 112-132): DRQSFNEVGK[Leu122Pro]FTQILRVKDR